The following is an entry in ClinVar:

NM_194454.3(KRIT1):c.1253del (p.Pro418fs)

Gene: KRIT1 (KRIT1 ankyrin repeat containing; minus strand). Cytogenetic location: 7q21.2.
Variant type: Deletion.
Coding change: c.1253del on transcript NM_194454.3 (MANE Select); coding-DNA position 1253, one base deleted (C; older notation c.1253delC).
Protein change: p.Pro418fs; shifts the reading frame from proline 418.
Molecular consequence: frameshift variant.
Genome position (GRCh38, 1-based): chr7:92,225,721, G deleted on the plus strand (C on the coding strand, the reverse complement: KRIT1 is on the minus strand); the first of 2 consecutive G bases (chr7:92,225,721-92,225,722); deleting either gives the same sequence. VCF-style (leftmost placement, unchanged base first): chr7-92225720-TG-T. GRCh37 (hg19) VCF-style: chr7-91855034-TG-T.
Other names: c.1253del, p.Pro418fs (NM_004912.4, NM_194455.1, NM_194456.1 and 26 more transcripts); c.1109del, p.Pro370fs (NM_001013406.2, NM_001350669.1, NM_001350670.1); c.539del, p.Pro180fs (NM_001350671.1); short protein forms P370fs, P418fs, P180fs.
Identifiers: ClinVar variation 3393475 (VCV003393475.3).

ClinVar aggregate classification (germline): Pathogenic/Likely pathogenic. Review status: criteria provided, multiple submitters, no conflicts (2 of 4 stars). 2 submissions from 2 submitters: Pathogenic (1); Likely pathogenic (1). Last evaluated 2026-05-11.

Conditions:
Cerebral cavernous malformation (CCM). Also called: CAVERNOUS ANGIOMA, FAMILIAL; CAVERNOUS ANGIOMATOUS MALFORMATIONS; CEREBRAL CAPILLARY MALFORMATIONS; Cavernous Hemangioma of Brain; Cerebral cavernous hemangioma (type); Cerebral cavernous malformations. Identifiers: Orphanet 221061, MedGen C2919945, MONDO:0000820, OMIM 116860, HP:0033522.

Submissions (2):

GeneDx
Classification: Pathogenic. Last evaluated: 2026-05-11. Review status: criteria provided, single submitter. Criteria: GeneDx Variant Classification Process June 2021. Collection method: clinical testing. Allele origin: germline.
Comment: Reported in a patient with features of a KRIT1-related disorder in the published literature (PMID: 18300272); Frameshift variant predicted to result in protein truncation or nonsense mediated decay in a gene for which loss of function is a known mechanism of disease; Not observed at significant frequency in large population cohorts (gnomAD); This variant is associated with the following publications: (PMID: 18300272)

Molecular Diagnostics Laboratory, M Health Fairview: University of Minnesota
Classification: Likely pathogenic for Cerebral cavernous malformation. Last evaluated: 2024-07-03. Review status: criteria provided, single submitter. Criteria: ACMG Guidelines, 2015. Collection method: clinical testing. Allele origin: germline. Affected: yes.